The following is an entry in ClinVar:

NM_003108.4(SOX11):c.239C>G (p.Ser80Cys)

Gene: SOX11 (SRY-box transcription factor 11; plus strand). Cytogenetic location: 2p25.2.
Variant type: single nucleotide variant.
Coding change: c.239C>G on transcript NM_003108.4 (MANE Select); coding-DNA position 239, C replaced by G.
Protein change: p.Ser80Cys; replaces serine 80 with cysteine.
Molecular consequence: missense variant.
Genome position (GRCh38, 1-based): chr2:5,692,960, C>G. VCF-style: chr2-5692960-C-G. GRCh37 (hg19) VCF-style: chr2-5833092-C-G.
Other names: short protein forms S80C.
Identifiers: ClinVar variation 521179 (VCV000521179.3), dbSNP rs1553327809, ClinGen allele CA345866265.

ClinVar aggregate classification (germline): Uncertain significance (1 of 4 stars; one submission).

Conditions:
Inborn genetic diseases. Identifiers: MedGen C0950123, MeSH D030342.

Submission:

Ambry Genetics
Classification: Uncertain significance for Hereditary disease. Last evaluated: 2016-08-11. Review status: criteria provided, single submitter. Criteria: ambry_reporting_categories_2017. Collection method: clinical testing. Allele origin: germline. Affected: yes. Observed: 1 heterozygote. Segregation with disease observed.
Comment: Lines of evidence used in support of classification: UNCERTAIN: Alteration(s) of Uncertain Clinical Significance Detected

Literature cited by the submitters: PubMed 24886874; PubMed 26543203; PubMed 15254231.